The following is an entry in ClinVar:

NM_001110556.2(FLNA):c.358A>G (p.Lys120Glu)

Gene: FLNA (filamin A; minus strand). Cytogenetic location: Xq28.
Variant type: single nucleotide variant.
Coding change: c.358A>G on transcript NM_001110556.2 (MANE Select); coding-DNA position 358, A replaced by G.
Protein change: p.Lys120Glu; replaces lysine 120 with glutamic acid.
Molecular consequence: missense variant.
Genome position (GRCh38, 1-based): chrX:154,370,888, T>C on the plus strand (A>G on the coding strand, the complement: FLNA is on the minus strand). VCF-style: chrX-154370888-T-C. GRCh37 (hg19) VCF-style: chrX-153599256-T-C.
Other names: c.358A>G, p.Lys120Glu (NM_001456.4); short protein forms K120E.
Identifiers: ClinVar variation 2637346 (VCV002637346.1), dbSNP rs2522771207, ClinGen allele CA415254184.

ClinVar aggregate classification (germline): Uncertain significance (1 of 4 stars; one submission).

Conditions:
FLNA-related disorder.

Submission:

PreventionGenetics, part of Exact Sciences
Classification: Uncertain significance for FLNA-related condition. Last evaluated: 2023-03-20. Review status: criteria provided, single submitter. Criteria: ACMG Guidelines, 2015. Collection method: clinical testing. Allele origin: germline.
Comment: The FLNA c.358A>G variant is predicted to result in the amino acid substitution p.Lys120Glu. To our knowledge, this variant has not been reported in the literature or in a large population database, indicating this variant is rare. Although we suspect that this variant may be pathogenic, at this time, the clinical significance of this variant is uncertain due to the absence of conclusive functional and genetic evidence.